The following is an entry in ClinVar:

NM_000368.5(TSC1):c.503A>G (p.Lys168Arg)

Gene: TSC1 (TSC complex subunit 1; minus strand). Cytogenetic location: 9q34.13.
Variant type: single nucleotide variant.
Coding change: c.503A>G on transcript NM_000368.5 (MANE Select); coding-DNA position 503, A replaced by G.
Protein change: p.Lys168Arg; replaces lysine 168 with arginine.
Molecular consequence: missense variant.
Genome position (GRCh38, 1-based): chr9:132,923,353, T>C on the plus strand (A>G on the coding strand, the complement: TSC1 is on the minus strand). VCF-style: chr9-132923353-T-C. GRCh37 (hg19) VCF-style: chr9-135798740-T-C.
Other names: c.503A>G, p.Lys168Arg (NM_001162426.2); c.350A>G, p.Lys117Arg (NM_001162427.2); c.140A>G, p.Lys47Arg (NM_001362177.2); short protein forms K47R, K117R, K168R.
Identifiers: ClinVar variation 1461237 (VCV001461237.6), dbSNP rs1007335343, ClinGen allele CA375373117.
Genomic context (GRCh38, chr9:132,923,353, plus strand): 5'-AATAATGAAAGCATTCACCTCACAGGGCCCAACAGGTATATGAGGAGATCTGTACCTGGT[T>C]TCTTCAGGCACCATGATGACAGACGGCCAAAAATGTCAAAGAAATCAAGAAGATGCTGTT-3'
Protein context (NP_000359.1, residues 158-178): FGRLSSWCLK[Lys168Arg]PGHVAEVYLV

ClinVar aggregate classification (germline): Uncertain significance. Review status: criteria provided, multiple submitters, no conflicts (2 of 4 stars). 2 submissions from 2 submitters: Uncertain significance (2). Last evaluated 2024-09-17.

Conditions:
Tuberous sclerosis syndrome (TSC). Also called: Tuberous sclerosis; Tuberous Sclerosis Complex. Identifiers: Orphanet 805, MedGen C0041341, MONDO:0001734.
Tuberous sclerosis 1 (TSC1). Identifiers: Orphanet 805, MedGen C1854465, MONDO:0008612, OMIM 191100.

Submissions (2):

All of Us Research Program, National Institutes of Health
Classification: Uncertain significance for Tuberous sclerosis syndrome. Last evaluated: 2024-09-17. Review status: criteria provided, single submitter. Criteria: ACMG Guidelines, 2015. Collection method: clinical testing. Allele origin: germline. Inheritance: Autosomal dominant inheritance. Observed: 1 variant allele, 1 heterozygote.
Comment: This study involves interpretation of variants in research participants for the purpose of population health screening. Participant phenotype was not available at the time of variant classification. Additional details can be found in publication PMID: 35346344, PMCID: PMC8962531

Labcorp Genetics (formerly Invitae), Labcorp
Classification: Uncertain significance for Tuberous sclerosis 1. Last evaluated: 2021-09-01. Review status: criteria provided, single submitter. Criteria: Invitae Variant Classification Sherloc (09022015). Collection method: clinical testing. Allele origin: germline.
Comment: This sequence change replaces lysine with arginine at codon 168 of the TSC1 protein (p.Lys168Arg). The lysine residue is weakly conserved and there is a small physicochemical difference between lysine and arginine. This variant is not present in population databases (ExAC no frequency). This variant has not been reported in the literature in individuals affected with TSC1-related conditions. Algorithms developed to predict the effect of missense changes on protein structure and function are either unavailable or do not agree on the potential impact of this missense change (SIFT: "Tolerated"; PolyPhen-2: "Possibly Damaging"; Align-GVGD: "Class C0"). In summary, the available evidence is currently insufficient to determine the role of this variant in disease. Therefore, it has been classified as a Variant of Uncertain Significance.